The following is an entry in ClinVar:

ClinVar aggregate classification (germline): Uncertain significance (1 of 4 stars; one submission).

Allele frequency attached by ClinVar (database versions not stated): ExAC 0.00002; TOPMed 0.00002; gnomAD 0.00003.
gnomAD v4.1: 16 of 1,613,862 alleles (0.00099%); highest among the groups gnomAD compares: African/African-American, 0.0093%; no homozygotes.

Submission:

Labcorp Genetics (formerly Invitae), Labcorp
Classification: Uncertain significance. Last evaluated: 2024-04-05. Review status: criteria provided, single submitter. Criteria: Invitae Variant Classification Sherloc (09022015). Collection method: clinical testing. Allele origin: germline.
Comment: This sequence change creates a premature translational stop signal (p.Arg4304*) in the FAT2 gene. While this is not anticipated to result in nonsense mediated decay, it is expected to disrupt the last 46 amino acid(s) of the FAT2 protein. This variant is present in population databases (rs754066917, gnomAD 0.004%). This variant has not been reported in the literature in individuals affected with FAT2-related conditions. ClinVar contains an entry for this variant (Variation ID: 1960524). In summary, the available evidence is currently insufficient to determine the role of this variant in disease. Therefore, it has been classified as a Variant of Uncertain Significance.

NM_001447.3(FAT2):c.12910C>T (p.Arg4304Ter)

Genes: FAT2 (FAT atypical cadherin 2; minus strand), SLC36A1 (solute carrier family 36 member 1; plus strand). Cytogenetic location: 5q33.1.
Variant type: single nucleotide variant.
Coding change: c.12910C>T on transcript NM_001447.3 (MANE Select); coding-DNA position 12910, C replaced by T.
Protein change: p.Arg4304Ter; replaces arginine 4304 with a stop codon.
Molecular consequence: nonsense.
Genome position (GRCh38, 1-based): chr5:151,505,705, G>A on the plus strand (C>T on the coding strand, the complement: FAT2 is on the minus strand). VCF-style: chr5-151505705-G-A. GRCh37 (hg19) VCF-style: chr5-150885266-G-A.
Other names: short protein forms R4304*.
Identifiers: ClinVar variation 1960524 (VCV001960524.5), dbSNP rs754066917, ClinGen allele CA3519645.
Genomic context (GRCh38, chr5:151,505,705, plus strand): 5'-GGCCCTGGCCTGCAAGAGGTGCCCCCTCCACCTCACAGACAGCATAAGAGGGCCCAGCTC[G>A]GCTGAGGCGCATACCCACCCCCTTGTAGCCCCCGTCTGCCAGGCAGGGCCCTCCCCCTCC-3'